The following is an entry in ClinVar:

NM_004813.4(PEX16):c.997T>C (p.Tyr333His)

Gene: PEX16 (peroxisomal biogenesis factor 16; minus strand). Cytogenetic location: 11p11.2.
Variant type: single nucleotide variant.
Coding change: c.997T>C on transcript NM_004813.4 (MANE Select); coding-DNA position 997, T replaced by C.
Protein change: p.Tyr333His; replaces tyrosine 333 with histidine.
Molecular consequence: missense variant. On other transcripts: intron variant (1).
Genome position (GRCh38, 1-based): chr11:45,910,268, A>G on the plus strand (T>C on the coding strand, the complement: PEX16 is on the minus strand). VCF-style: chr11-45910268-A-G. GRCh37 (hg19) VCF-style: chr11-45931819-A-G.
Other names: c.953-91T>C (NM_057174.3); short protein forms Y333H.
Identifiers: ClinVar variation 1976938 (VCV001976938.2), dbSNP rs2494875361, ClinGen allele CA380223198.
Genomic context (GRCh38, chr11:45,910,268, plus strand): 5'-GGCTCCCTGCCCCACCCCTCCCCACACCCTCCTTCCGGGAGGTCTGTCAGCCCCAACTGT[A>G]GAAGTAGATTTTCTGCCAGGTGGGCAAGTAATCCATGAGCGGCCCTGCAGTGGGAGAGGG-3'
Protein context (NP_004804.2, residues 323-336): YLPTWQKIYF[Tyr333His]SWG

ClinVar aggregate classification (germline): Uncertain significance (1 of 4 stars; one submission).

Conditions:
Peroxisome biogenesis disorder. Identifiers: Orphanet 79189, MedGen C1832200, MONDO:0019234. Disease mechanism: loss of function.

Submission:

Labcorp Genetics (formerly Invitae), Labcorp
Classification: Uncertain significance for Peroxisome biogenesis disorder. Last evaluated: 2022-05-19. Review status: criteria provided, single submitter. Criteria: Invitae Variant Classification Sherloc (09022015). Collection method: clinical testing. Allele origin: germline.
Comment: This sequence change replaces tyrosine, which is neutral and polar, with histidine, which is basic and polar, at codon 333 of the PEX16 protein (p.Tyr333His). This variant is not present in population databases (gnomAD no frequency). This variant has not been reported in the literature in individuals affected with PEX16-related conditions. Algorithms developed to predict the effect of missense changes on protein structure and function are either unavailable or do not agree on the potential impact of this missense change (SIFT: "Deleterious"; PolyPhen-2: "Possibly Damaging"; Align-GVGD: "Class C0"). In summary, the available evidence is currently insufficient to determine the role of this variant in disease. Therefore, it has been classified as a Variant of Uncertain Significance.